The following is an entry in ClinVar:

NM_015631.6(TCTN3):c.41T>C (p.Leu14Pro)

Genes: TCTN3 (tectonic family member 3; minus strand), LOC130004408 (ATAC-STARR-seq lymphoblastoid active region 3801; plus strand). Cytogenetic location: 10q24.1.
Variant type: single nucleotide variant.
Coding change: c.41T>C on transcript NM_015631.6 (MANE Select); coding-DNA position 41, T replaced by C.
Protein change: p.Leu14Pro; replaces leucine 14 with proline.
Molecular consequence: missense variant.
Genome position (GRCh38, 1-based): chr10:95,693,859, A>G on the plus strand (T>C on the coding strand, the complement: TCTN3 is on the minus strand). VCF-style: chr10-95693859-A-G. GRCh37 (hg19) VCF-style: chr10-97453616-A-G.
Other names: c.41T>C, p.Leu14Pro (NM_001143973.2); short protein forms L14P.
Identifiers: ClinVar variation 1303746 (VCV001303746.2), dbSNP rs2139769758, ClinGen allele CA377714381.

ClinVar aggregate classification (germline): Uncertain significance (1 of 4 stars; one submission).

Submission:

GeneDx
Classification: Uncertain significance. Last evaluated: 2019-03-29. Review status: criteria provided, single submitter. Criteria: GeneDx Variant Classification Process June 2021. Collection method: clinical testing. Allele origin: germline. Affected: yes.
Comment: Not observed in large population cohorts (Lek et al., 2016); In silico analysis, which includes protein predictors and evolutionary conservation, supports that this variant does not alter protein structure/function; Has not been previously published as pathogenic or benign to our knowledge